The following is an entry in ClinVar:

NM_138694.4(PKHD1):c.7661C>A (p.Ser2554Ter)

Gene: PKHD1 (PKHD1 ciliary IPT domain containing fibrocystin/polyductin; minus strand). Cytogenetic location: 6p12.2.
Variant type: single nucleotide variant.
Coding change: c.7661C>A on transcript NM_138694.4 (MANE Select); coding-DNA position 7661, C replaced by A.
Protein change: p.Ser2554Ter; replaces serine 2554 with a stop codon.
Molecular consequence: nonsense.
Genome position (GRCh38, 1-based): chr6:51,867,935, G>T on the plus strand (C>A on the coding strand, the complement: PKHD1 is on the minus strand). VCF-style: chr6-51867935-G-T. GRCh37 (hg19) VCF-style: chr6-51732733-G-T.
Other names: c.7661C>A, p.Ser2554Ter (NM_170724.3); short protein forms S2554*.
Identifiers: ClinVar variation 1678534 (VCV001678534.2), dbSNP rs1775347142, ClinGen allele CA364418446.

ClinVar aggregate classification (germline): Pathogenic/Likely pathogenic. Review status: criteria provided, multiple submitters, no conflicts (2 of 4 stars). 2 submissions from 2 submitters: Pathogenic (1); Likely pathogenic (1). Last evaluated 2024-05-08.

Conditions:
Polycystic kidney disease 4 (PKD4). Also called: POLYCYSTIC KIDNEY AND HEPATIC DISEASE 1; POLYCYSTIC KIDNEY DISEASE, INFANTILE, TYPE I; PKD3; Autosomal Recessive Polycystic Kidney Disease – PKHD1; POLYCYSTIC KIDNEY DISEASE 4 WITH OR WITHOUT POLYCYSTIC LIVER DISEASE. Identifiers: MedGen C4540575, MONDO:0033004, OMIM 263200.

Submissions (2):

Myriad Genetics, Inc.
Classification: Pathogenic for Polycystic kidney disease 4. Last evaluated: 2024-05-08. Review status: criteria provided, single submitter. Criteria: Myriad Autosomal Dominant, Autosomal Recessive and X-Linked Classification Criteria (2023). Collection method: clinical testing. Allele origin: unknown.
Comment: NM_138694.3(PKHD1):c.7661C>A(S2554*) is expected to be pathogenic in the context of autosomal recessive polycystic kidney disease, PKHD1-related. This variant is predicted to lead to an abnormal or absent protein product due to the creation of a premature termination codon in PKHD1, a gene where loss-of-function variants are known to be pathogenic. Please note: this variant was assessed in the context of healthy population screening.

Institute of Human Genetics, Cologne University
Classification: Likely pathogenic for Polycystic kidney disease 4. Last evaluated: 2022-02-04. Review status: criteria provided, single submitter. Criteria: ACMG Guidelines, 2015. Collection method: clinical testing. Allele origin: germline. Affected: yes.